The following is an entry in ClinVar:

ClinVar aggregate classification (germline): Uncertain significance (1 of 4 stars; one submission).

Conditions:
SIM1-related disorder. Also called: SIM1-related condition; SIM1-related disorders.

Allele frequency attached by ClinVar (database versions not stated): gnomAD exomes 0.00001; ExAC 0.00002; gnomAD 0.00003; TOPMed 0.00006; ESP Exome Variant Server 0.00015.
gnomAD v4.1: 12 of 1,614,016 alleles (0.00074%); highest among the groups gnomAD compares: African/African-American, 0.016%; no homozygotes.

Submission:

PreventionGenetics, part of Exact Sciences
Classification: Uncertain significance for SIM1-related condition. Last evaluated: 2025-11-11. Review status: criteria provided, single submitter. Criteria: ACMG Guidelines, 2015. Collection method: clinical testing. Allele origin: germline.
Comment: The SIM1 c.1450G>T variant is predicted to result in the amino acid substitution p.Ala484Ser. To our knowledge, this variant has not been reported in the literature. This variant is reported in 0.012% of alleles in individuals of African descent in gnomAD. At this time, the clinical significance of this variant is uncertain due to the absence of conclusive functional and genetic evidence.

NM_005068.3(SIM1):c.1450G>T (p.Ala484Ser)

Genes: SIM1 (SIM bHLH transcription factor 1; minus strand), SIM1-AS1 (SIM1 antisense RNA 1; plus strand). Cytogenetic location: 6q16.3.
Variant type: single nucleotide variant.
Coding change: c.1450G>T on transcript NM_005068.3 (MANE Select); coding-DNA position 1450, G replaced by T.
Protein change: p.Ala484Ser; replaces alanine 484 with serine.
Molecular consequence: missense variant. On other transcripts: non-coding transcript variant (1).
Genome position (GRCh38, 1-based): chr6:100,393,607, C>A on the plus strand (G>T on the coding strand, the complement: SIM1 is on the minus strand). VCF-style: chr6-100393607-C-A. GRCh37 (hg19) VCF-style: chr6-100841483-C-A.
Other names: c.1450G>T, p.Ala484Ser (NM_001374769.1); short protein forms A484S.
Identifiers: ClinVar variation 2636298 (VCV002636298.2), dbSNP rs146356820, ClinGen allele CA3937018.